The following is an entry in ClinVar:

ClinVar aggregate classification (germline): Likely pathogenic. Review status: criteria provided, multiple submitters, no conflicts (2 of 4 stars). 2 submissions from 2 submitters: Likely pathogenic (2). Last evaluated 2026-09-10.

Conditions:
KIDINS220-related disorder. Also called: KIDINS220-related condition.

Submissions (2):

PreventionGenetics, part of Exact Sciences
Classification: Likely pathogenic for KIDINS220-related condition. Last evaluated: 2026-09-10. Review status: criteria provided, single submitter. Criteria: ACMG Guidelines, 2015. Collection method: clinical testing. Allele origin: germline.
Comment: The KIDINS220 c.2712C>G variant is predicted to result in premature protein termination (p.Tyr904*). To our knowledge, this variant has not been reported in the literature. This variant is reported in 0.00088% of alleles in individuals of European (Non-Finnish) descent in gnomAD. Nonsense variants in KIDINS220 are expected to be pathogenic. However, this variant is located in exon 21 of 30, and therefore is expected to be pathogenic only for autosomal recessive KIDINS220 associated disorders. This variant is interpreted as likely pathogenic.

GeneDx
Classification: Likely pathogenic. Last evaluated: 2026-01-28. Review status: criteria provided, single submitter. Criteria: GeneDx Variant Classification Process June 2021. Collection method: clinical testing. Allele origin: germline.
Comment: Nonsense variant predicted to result in protein truncation or nonsense mediated decay in a gene for which loss of function is a known mechanism of disease; Has not been previously published as pathogenic or benign to our knowledge

NM_020738.4(KIDINS220):c.2712C>G (p.Tyr904Ter)

Gene: KIDINS220 (kinase D interacting substrate 220; minus strand). Cytogenetic location: 2p25.1.
Variant type: single nucleotide variant.
Coding change: c.2712C>G on transcript NM_020738.4 (MANE Select); coding-DNA position 2712, C replaced by G.
Protein change: p.Tyr904Ter; replaces tyrosine 904 with a stop codon.
Molecular consequence: nonsense. On other transcripts: non-coding transcript variant (2).
Genome position (GRCh38, 1-based): chr2:8,776,884, G>C on the plus strand (C>G on the coding strand, the complement: KIDINS220 is on the minus strand). VCF-style: chr2-8776884-G-C. GRCh37 (hg19) VCF-style: chr2-8917014-G-C.
Other names: c.2715C>G, p.Tyr905Ter (NM_001348729.2, NM_001348731.2, NM_001348734.2 and 3 more transcripts); c.2712C>G, p.Tyr904Ter (NM_001348732.2, NM_001348735.2, NM_001348738.2 and 3 more transcripts); c.2586C>G, p.Tyr862Ter (NM_001348736.2); short protein forms Y905*, Y862*, Y904*.
Identifiers: ClinVar variation 4891458 (VCV004891458.2), dbSNP rs1275737821.